The following is an entry in ClinVar:

NM_000369.5(TSHR):c.267_270delinsTCCT (p.Gln90Pro)

Genes: TSHR (thyroid stimulating hormone receptor; plus strand), TSHR-AS1 (TSHR antisense RNA 1; minus strand). Cytogenetic location: 14q31.1.
Variant type: Indel.
Coding change: c.267_270delinsTCCT on transcript NM_000369.5 (MANE Select); coding-DNA positions 267 to 270, GCAG replaced by TCCT.
Protein change: p.Gln90Pro; replaces glutamine 90 with proline.
Molecular consequence: missense variant.
Genome position (GRCh38, 1-based): chr14:81,068,278-81,068,281, GCAG replaced by TCCT. VCF-style: chr14-81068278-GCAG-TCCT. GRCh37 (hg19) VCF-style: chr14-81534622-GCAG-TCCT.
Other names: c.267_270delGCAGinsTCCT (NM_000369.2); c.267_270delinsTCCT, p.Gln90Pro (NM_001018036.3, NM_001142626.3); c.267_270delinsTCCT (NM_000369.2); short protein forms Q90P.
Identifiers: ClinVar variation 420145 (VCV000420145.5), dbSNP rs1064794318, ClinGen allele CA16619887.

ClinVar aggregate classification (germline): Likely pathogenic. Review status: criteria provided, multiple submitters, no conflicts (2 of 4 stars). 3 submissions from 3 submitters: Likely pathogenic (2). 1 of the submissions does not count toward it. Last evaluated 2024-05-24.

Conditions:
TSHR-related disorder. Also called: TSHR-related condition; TSHR-related disorders.
Familial gestational hyperthyroidism. Identifiers: Orphanet 99819, MedGen C1863959, MONDO:0011309, OMIM 603373.
Hypothyroidism due to TSH receptor mutations. Also called: HYPOTHYROIDISM DUE TO UNRESPONSIVENESS TO THYROTROPIN; HYPOTHYROIDISM, CONGENITAL, DUE TO TSH RESISTANCE; HYPOTHYROIDISM, NONAUTOIMMUNE; THYROID-STIMULATING HORMONE, RESISTANCE TO; TSH RESISTANCE; Hypothyroidism, congenital, nongoitrous, 1. Identifiers: Orphanet 90673, MedGen C3493776, MONDO:0010142, OMIM 275200.
Familial hyperthyroidism due to mutations in TSH receptor. Also called: HYPERTHYROIDISM, CONGENITAL NONAUTOIMMUNE; HYPERTHYROIDISM, NONAUTOIMMUNE, AUTOSOMAL DOMINANT; TOXIC THYROID HYPERPLASIA, AUTOSOMAL DOMINANT. Identifiers: Orphanet 424, MedGen C1836706, MONDO:0012203, OMIM 609152.

Submissions (3):

Fulgent Genetics
Classification: Likely pathogenic for Hypothyroidism due to TSH receptor mutations; Familial gestational hyperthyroidism; Familial hyperthyroidism due to mutations in TSH receptor. Last evaluated: 2024-05-24. Review status: criteria provided, single submitter. Criteria: ACMG Guidelines, 2015. Collection method: clinical testing. Allele origin: germline.

GeneDx
Classification: Likely pathogenic. Last evaluated: 2016-12-02. Review status: criteria provided, single submitter. Criteria: GeneDx Variant Classification (06012015). Collection method: clinical testing. Allele origin: germline. Affected: yes.
Comment: The c.267_270delGCAGinsTCCT variant results in the replacement of the normal Glutamine at position 90 with a Proline, denoted Q90P, which is a non-conservative amino acid substitution and is likely to impact secondary protein structure as these residues differ in polarity, charge, size and/or other properties. This substitution occurs at a position that is conserved across species. The Q90P variant in the TSHR gene (denoted c.269/270 AG>CT due to alternate nomenclature), has been published previously in cis with two additional variants, c.267G>T (L89L) and c.790 C>T (P264S), in a large consanguineous Arab kindred. Individuals who were homozygous for this allele presented with hypothyroidism (Sriphrapradang et al., 2011). Individuals who were heterozygous for this allele presented with mild hyperthyrotropinemia. Some individuals also carried a TPO variant in addition to the TSHR allele, and in the majority of individuals this did not magnify the hyperthyrotropinemia. Functional activity of the mutant Q90P TSHR was lower when compared with the wild type TSHR; however, functional activity was higher when compared to mutant P264S and Q90P/P264S (Sriphrapradang et al., 2011). The c.267_270delGCAGinsTCCT variant was not observed in approximately 6,500 individuals of European and African American ancestry in the NHLBI Exome Sequencing Project, indicating it is not a common benign variant in these populations. The c.267_270delGCAGinsTCCT variant is a strong candidate for a pathogenic variant, however, the possibility it may be a rare benign variant cannot be excluded.

PreventionGenetics, part of Exact Sciences
Classification: Likely pathogenic for TSHR-related condition. Last evaluated: 2023-11-01. Review status: no assertion criteria provided. Collection method: clinical testing. Allele origin: germline. Not counted in ClinVar's aggregate classification.
Comment: The TSHR c.267_270delinsTCCT variant is predicted to result in an in-frame deletion and insertion. This variant has been reported to segregate in individuals with TSHR-related phenotypes in both the homozygous and heterozygous states (Figure 1, Sriphrapradang et al. 2011. PubMed ID: 21490078; Table 3, Tenenbaum-Rakover et al. 2015. PubMed ID: 25557138; Figure 2, Franceschi et al. 2022. PubMed ID: 36468928). Homozygous individuals presented with a more severe and penetrant phenotype than heterozygotes, and functional studies supported the pathogenicity of this variant (Sriphrapradang et al. 2011. PubMed ID: 21490078). This variant is reported in 0.00088% of alleles in individuals of European (non-Finnish) descent in gnomAD (reported as separate variants, but observed in cis in a single heterozygous individual). This variant is interpreted as likely pathogenic.